The following is an entry in ClinVar:

ClinVar aggregate classification (germline): Uncertain significance (1 of 4 stars; one submission).

Conditions:
Hereditary cancer-predisposing syndrome. Also called: Hereditary neoplastic syndrome; Hereditary Cancer Syndrome; Neoplastic Syndromes, Hereditary; Tumor predisposition. Identifiers: Orphanet 140162, MedGen C0027672, MeSH D009386, MONDO:0015356.

Submission:

Ambry Genetics
Classification: Uncertain significance for Hereditary cancer-predisposing syndrome. Last evaluated: 2023-05-09. Review status: criteria provided, single submitter. Criteria: Ambry Variant Classification Scheme 2023. Collection method: clinical testing. Allele origin: germline.
Comment: The p.L356H variant (also known as c.1067T>A), located in coding exon 9 of the APC gene, results from a T to A substitution at nucleotide position 1067. The leucine at codon 356 is replaced by histidine, an amino acid with similar properties. This amino acid position is conserved. In addition, in silico predictors for this gene do not accurately predict pathogenicity. Since supporting evidence is limited at this time, the clinical significance of this alteration remains unclear.

NM_000038.6(APC):c.1067T>A (p.Leu356His)

Gene: APC (APC regulator of Wnt signaling pathway; plus strand). Cytogenetic location: 5q22.2.
Variant type: single nucleotide variant.
Coding change: c.1067T>A on transcript NM_000038.6 (MANE Select); coding-DNA position 1067, T replaced by A.
Protein change: p.Leu356His; replaces leucine 356 with histidine.
Molecular consequence: missense variant. On other transcripts: non-coding transcript variant (2), intron variant (15).
Genome position (GRCh38, 1-based): chr5:112,819,099, T>A. VCF-style: chr5-112819099-T-A. GRCh37 (hg19) VCF-style: chr5-112154796-T-A.
Other names: c.1067T>A, p.Leu356His (NM_001127510.3, NM_001354895.2, NM_001354896.2 and 4 more transcripts); c.1013T>A, p.Leu338His (NM_001127511.3); c.1097T>A, p.Leu366His (NM_001354897.2, NM_001407446.1); c.992T>A, p.Leu331His (NM_001354898.2, NM_001407451.1); c.983T>A, p.Leu328His (NM_001354899.2, NM_001407452.1); c.890T>A, p.Leu297His (NM_001354900.2, NM_001354901.2, NM_001407453.1); c.218T>A, p.Leu73His (NM_001354906.2, NM_001407470.1); c.85-170T>A (NM_001407472.1, NM_001407471.1); and 5 more; short protein forms L297H, L328H, L366H, L73H, L338H, L331H, L356H.
Identifiers: ClinVar variation 2567024 (VCV002567024.2), dbSNP rs1762825496, ClinGen allele CA16023646.